The following is an entry in ClinVar:

ClinVar aggregate classification (germline): Uncertain significance (1 of 4 stars; one submission).

Conditions:
Bloom syndrome (BLM). Also called: Bloom-Torre-Machacek syndrome. Identifiers: Orphanet 125, MedGen C0005859, MONDO:0008876, OMIM 210900.

Submission:

Labcorp Genetics (formerly Invitae), Labcorp
Classification: Uncertain significance for Bloom syndrome. Last evaluated: 2024-08-19. Review status: criteria provided, single submitter. Criteria: Invitae Variant Classification Sherloc (09022015). Collection method: clinical testing. Allele origin: germline.
Comment: This sequence change replaces aspartic acid, which is acidic and polar, with asparagine, which is neutral and polar, at codon 757 of the BLM protein (p.Asp757Asn). This variant is not present in population databases (gnomAD no frequency). This variant has not been reported in the literature in individuals affected with BLM-related conditions. Invitae Evidence Modeling of protein sequence and biophysical properties (such as structural, functional, and spatial information, amino acid conservation, physicochemical variation, residue mobility, and thermodynamic stability) indicates that this missense variant is not expected to disrupt BLM protein function with a negative predictive value of 80%. In summary, the available evidence is currently insufficient to determine the role of this variant in disease. Therefore, it has been classified as a Variant of Uncertain Significance.

NM_000057.4(BLM):c.2269G>A (p.Asp757Asn)

Gene: BLM (BLM RecQ like helicase; plus strand). Cytogenetic location: 15q26.1.
Variant type: single nucleotide variant.
Coding change: c.2269G>A on transcript NM_000057.4 (MANE Select); coding-DNA position 2269, G replaced by A.
Protein change: p.Asp757Asn; replaces aspartic acid 757 with asparagine.
Molecular consequence: missense variant.
Genome position (GRCh38, 1-based): chr15:90,766,985, G>A. VCF-style: chr15-90766985-G-A. GRCh37 (hg19) VCF-style: chr15-91310215-G-A.
Other names: c.2269G>A, p.Asp757Asn (NM_001287246.2, NM_001287247.2); c.1144G>A, p.Asp382Asn (NM_001287248.2); short protein forms D382N, D757N.
Identifiers: ClinVar variation 3628524 (VCV003628524.2).